The following is an entry in ClinVar:

ClinVar aggregate classification (germline): Uncertain significance (1 of 4 stars; one submission).

gnomAD v4.1: 1 of 1,614,138 alleles (0.000062%); highest among the groups gnomAD compares: East Asian, 0.0022%; no homozygotes.

Submission:

Labcorp Genetics (formerly Invitae), Labcorp
Classification: Uncertain significance. Last evaluated: 2022-05-30. Review status: criteria provided, single submitter. Criteria: Invitae Variant Classification Sherloc (09022015). Collection method: clinical testing. Allele origin: germline.
Comment: This sequence change replaces glycine, which is neutral and non-polar, with arginine, which is basic and polar, at codon 480 of the ALPK3 protein (p.Gly480Arg). This variant is present in population databases (no rsID available, gnomAD 0.006%). This variant has not been reported in the literature in individuals affected with ALPK3-related conditions. Algorithms developed to predict the effect of missense changes on protein structure and function are either unavailable or do not agree on the potential impact of this missense change (SIFT: "Deleterious"; PolyPhen-2: "Probably Damaging"; Align-GVGD: "Class C0"). In summary, the available evidence is currently insufficient to determine the role of this variant in disease. Therefore, it has been classified as a Variant of Uncertain Significance.

NM_020778.5(ALPK3):c.832G>C (p.Gly278Arg)

Gene: ALPK3 (alpha kinase 3; plus strand). Cytogenetic location: 15q25.3.
Variant type: single nucleotide variant.
Coding change: c.832G>C on transcript NM_020778.5 (MANE Select); coding-DNA position 832, G replaced by C.
Protein change: p.Gly278Arg; replaces glycine 278 with arginine.
Molecular consequence: missense variant.
Genome position (GRCh38, 1-based): chr15:84,840,111, G>C. VCF-style: chr15-84840111-G-C. GRCh37 (hg19) VCF-style: chr15-85383342-G-C.
Other names: short protein forms G278R.
Identifiers: ClinVar variation 2000939 (VCV002000939.4), dbSNP rs573106150, ClinGen allele CA393373595.